The following is an entry in ClinVar:

ClinVar aggregate classification (germline): Uncertain significance. Review status: criteria provided, multiple submitters, no conflicts (2 of 4 stars). 2 submissions from 2 submitters: Uncertain significance (2). Last evaluated 2025-04-16.

Conditions:
JAG1-related disorder. Also called: JAG1-related condition; JAG1-related disorders.

Submissions (2):

PreventionGenetics, part of Exact Sciences
Classification: Uncertain significance for JAG1-related condition. Last evaluated: 2025-04-16. Review status: criteria provided, single submitter. Criteria: ACMG Guidelines, 2015. Collection method: clinical testing. Allele origin: germline.
Comment: The JAG1 c.2011T>C variant is predicted to result in the amino acid substitution p.Cys671Arg. To our knowledge, this variant has not been reported in the literature or in a large population database (gnomAD), indicating this variant is rare. At this time, the clinical significance of this variant is uncertain due to the absence of conclusive functional and genetic evidence.

Eurofins Ntd Llc (ga)
Classification: Uncertain significance. Last evaluated: 2017-12-19. Review status: criteria provided, single submitter. Criteria: EGL Classification Definitions 2015. Collection method: clinical testing. Allele origin: germline. Observed: 1 variant allele, 1 heterozygote.

NM_000214.3(JAG1):c.2011T>C (p.Cys671Arg)

Gene: JAG1 (jagged canonical Notch ligand 1; minus strand). Cytogenetic location: 20p12.2.
Variant type: single nucleotide variant.
Coding change: c.2011T>C on transcript NM_000214.3 (MANE Select); coding-DNA position 2011, T replaced by C.
Protein change: p.Cys671Arg; replaces cysteine 671 with arginine.
Molecular consequence: missense variant.
Genome position (GRCh38, 1-based): chr20:10,645,458, A>G on the plus strand (T>C on the coding strand, the complement: JAG1 is on the minus strand). VCF-style: chr20-10645458-A-G. GRCh37 (hg19) VCF-style: chr20-10626106-A-G.
Other names: c.2011T>C, p.Cys671Arg (LRG_1191t1); c.2011T>C (NM_000214.2); short protein forms C671R.
Identifiers: ClinVar variation 595453 (VCV000595453.6), dbSNP rs1568794367, ClinGen allele CA408235603.